The following is an entry in ClinVar:

ClinVar aggregate classification (germline): Uncertain significance (1 of 4 stars; one submission).

gnomAD v4.1: 1 of 1,614,164 alleles (0.000062%); highest among the groups gnomAD compares: Non-Finnish European, 0.000085%; no homozygotes.

Submission:

GeneDx
Classification: Uncertain significance. Last evaluated: 2025-03-20. Review status: criteria provided, single submitter. Criteria: GeneDx Variant Classification Process June 2021. Collection method: clinical testing. Allele origin: germline. Affected: yes.
Comment: Not observed at significant frequency in large population cohorts (gnomAD); In silico analysis indicates that this missense variant does not alter protein structure/function; Has not been previously published as pathogenic or benign to our knowledge

NM_014141.6(CNTNAP2):c.881G>A (p.Arg294Lys)

Gene: CNTNAP2 (contactin associated protein 2; plus strand). Cytogenetic location: 7q35.
Variant type: single nucleotide variant.
Coding change: c.881G>A on transcript NM_014141.6 (MANE Select); coding-DNA position 881, G replaced by A.
Protein change: p.Arg294Lys; replaces arginine 294 with lysine.
Molecular consequence: missense variant.
Genome position (GRCh38, 1-based): chr7:147,121,105, G>A. VCF-style: chr7-147121105-G-A. GRCh37 (hg19) VCF-style: chr7-146818197-G-A.
Other names: short protein forms R294K.
Identifiers: ClinVar variation 4086493 (VCV004086493.1).